The following is an entry in ClinVar:

ClinVar aggregate classification (germline): Likely benign. Review status: criteria provided, multiple submitters, no conflicts (2 of 4 stars). 2 submissions from 2 submitters: Likely benign (2). Last evaluated 2025-08-09.

Conditions:
X-linked lymphoproliferative disease due to XIAP deficiency. Also called: XIAP-Related Lymphoproliferative Disease, X-Linked; XIAP DEFICIENCY. Identifiers: Orphanet 2442, Orphanet 538934, MedGen C1845076, MONDO:0010385, OMIM 300635.

Allele frequency attached by ClinVar (database versions not stated): ExAC 0.00001; gnomAD exomes 0.00001; TOPMed 0.00002; gnomAD 0.00003.
gnomAD v4.1: 16 of 1,200,891 alleles (0.0013%); highest among the groups gnomAD compares: African/African-American, 0.0035%; no homozygotes.

Submissions (2):

Labcorp Genetics (formerly Invitae), Labcorp
Classification: Likely benign for X-linked lymphoproliferative disease due to XIAP deficiency. Last evaluated: 2025-08-09. Review status: criteria provided, single submitter. Criteria: Invitae Variant Classification Sherloc (09022015). Collection method: clinical testing. Allele origin: germline.

CeGaT Center for Human Genetics Tuebingen
Classification: Likely benign. Last evaluated: 2025-05-01. Review status: criteria provided, single submitter. Criteria: CeGaT Center For Human Genetics Tuebingen Variant Classification Criteria Version 2. Collection method: clinical testing. Allele origin: germline. Affected: yes. Observed: 1 variant allele.
Comment: XIAP: BP4, BS2

NM_001167.4(XIAP):c.870T>C (p.Tyr290=)

Gene: XIAP (X-linked inhibitor of apoptosis; plus strand). Cytogenetic location: Xq25.
Variant type: single nucleotide variant.
Coding change: c.870T>C on transcript NM_001167.4 (MANE Select); coding-DNA position 870, T replaced by C.
Protein change: p.Tyr290=; no amino-acid change (tyrosine 290 retained).
Molecular consequence: synonymous variant.
Genome position (GRCh38, 1-based): chrX:123,886,532, T>C. VCF-style: chrX-123886532-T-C. GRCh37 (hg19) VCF-style: chrX-123020382-T-C.
Other names: c.870T>C, p.Tyr290= (NM_001378591.1, NM_001378592.1, NM_001204401.2 and 1 more transcripts).
Identifiers: ClinVar variation 1139790 (VCV001139790.19), dbSNP rs770461720, ClinGen allele CA10508053.
Genomic context (GRCh38, chrX:123,886,532, plus strand): 5'-TACTTTTGGGACATGGATATACTCAGTTAACAAGGAGCAGCTTGCAAGAGCTGGATTTTA[T>C]GCTTTAGGTAAACTTTATTATAAAACCAATAAATAGCTTCCCAAGTATGCCAGGGCTCAT-3'
Protein context (NP_001158.2, residues 280-300): NKEQLARAGF[Tyr290=]ALGEGDKVKC